The following is an entry in ClinVar:

NM_000051.4(ATM):c.4642_4645del (p.Asp1548fs)

Gene: ATM (ATM serine/threonine kinase; plus strand). Cytogenetic location: 11q22.3.
Variant type: Microsatellite.
Coding change: c.4642_4645del on transcript NM_000051.4 (MANE Select); coding-DNA positions 4642 to 4645, 4 bases deleted (GATA; older notation c.4642_4645delGATA).
Protein change: p.Asp1548fs; shifts the reading frame from aspartic acid 1548.
Molecular consequence: frameshift variant.
Genome position (GRCh38, 1-based): chr11:108,293,343-108,293,346, GATA deleted; deleting any 4 consecutive bases within chr11:108,293,339-108,293,346 gives the same sequence; the c. name uses the placement nearest the transcript's 3' end. VCF-style (leftmost placement, unchanged base first): chr11-108293338-TGATA-T. GRCh37 (hg19) VCF-style: chr11-108164065-TGATA-T.
Other names: c.4642_4645delGATA (NM_000051.3); c.4642_4645del, p.Asp1548fs (NM_001351834.2); short protein forms D1548fs.
Identifiers: ClinVar variation 232070 (VCV000232070.18), dbSNP rs876659535, ClinGen allele CA10579158.

ClinVar aggregate classification (germline): Pathogenic. Review status: criteria provided, multiple submitters, no conflicts (2 of 4 stars). 6 submissions from 5 submitters: Pathogenic (5). 1 of the submissions does not count toward it. Last evaluated 2024-06-01.

Conditions:
Hereditary cancer-predisposing syndrome. Also called: Tumor predisposition; Hereditary Cancer Syndrome; Neoplastic Syndromes, Hereditary; Hereditary neoplastic syndrome. Identifiers: Orphanet 140162, MedGen C0027672, MeSH D009386, MONDO:0015356.
Familial cancer of breast. Also called: hereditary breast carcinoma; BREAST CANCER, FAMILIAL; Hereditary breast cancer. Identifiers: Orphanet 227535, MedGen C0346153, MONDO:0016419, OMIM 114480. Disease mechanism: loss of function.
Malignant tumor of breast. Also called: Malignant breast neoplasm; Cancer breast. Identifiers: MedGen C0006142, MONDO:0007254. Disease mechanism: loss of function.
Ataxia-telangiectasia syndrome (AT). Also called: AT, COMPLEMENTATION GROUP C; Ataxia telangiectasia (A-T); Ataxia-telangiectasia, complementation group D; Ataxia-telangiectasia, complementation group E; LOUIS-BAR SYNDROME; Cerebello-oculocutaneous telangiectasia. Identifiers: Orphanet 100, MedGen C0004135, MONDO:0008840, OMIM 208900.

Submissions (6):

Labcorp Genetics (formerly Invitae), Labcorp
Classification: Pathogenic for Ataxia-telangiectasia syndrome. Last evaluated: 2024-06-01. Review status: criteria provided, single submitter. Criteria: Invitae Variant Classification Sherloc (09022015). Collection method: clinical testing. Allele origin: germline.
Comment: This sequence change creates a premature translational stop signal (p.Asp1548Thrfs*14) in the ATM gene. It is expected to result in an absent or disrupted protein product. Loss-of-function variants in ATM are known to be pathogenic (PMID: 23807571, 25614872). This variant is not present in population databases (gnomAD no frequency). This premature translational stop signal has been observed in individual(s) with ataxia-telangiectasia (PMID: 8808599, 9711876). ClinVar contains an entry for this variant (Variation ID: 232070). For these reasons, this variant has been classified as Pathogenic.

Myriad Genetics, Inc.
Classification: Pathogenic for Familial cancer of breast. Last evaluated: 2024-01-24. Review status: criteria provided, single submitter. Criteria: Myriad Autosomal Dominant, Autosomal Recessive and X-Linked Classification Criteria (2023). Collection method: clinical testing. Allele origin: unknown.
Comment: This variant is considered pathogenic. This variant creates a frameshift predicted to result in premature protein truncation.

Dasa
Classification: Pathogenic for Familial cancer of breast. Last evaluated: 2022-08-10. Review status: criteria provided, single submitter. Criteria: ACMG Guidelines, 2015. Collection method: clinical testing. Allele origin: germline. Observed: 1 variant allele.
Comment: The c.4642_4645del;p.(Asp1548Thrfs*14) is a null frameshift variant (NMD) in the ATM gene and predicts alteration of the nonsense-mediate decay - NMD is present in a relevant exon to the transcript - PVS1.This sequence change has been observed in affected individual(s) and ClinVar contains an entry for this variant (ClinVar ID: 232070; PMID: 9711876; 8808599) - PS4. This variant is not present in population databases (rs876659535- gnomAD; ABraOM no frequency) - PM2. The p.(Asp1548Thrfs*14) was detected in trans with a pathogenic variant (PMID: 9711876; 8808599) - PM3. In summary, the currently available evidence indicates that the variant is pathogenic.

Ambry Genetics
Classification: Pathogenic for Hereditary cancer-predisposing syndrome. Last evaluated: 2022-04-27. Review status: criteria provided, single submitter. Criteria: Ambry Variant Classification Scheme 2023. Collection method: clinical testing. Allele origin: germline.
Comment: The c.4642_4645delGATA pathogenic mutation, located in coding exon 30 of the ATM gene, results from a deletion of 4 nucleotides at nucleotide positions 4642 to 4645, causing a translational frameshift with a predicted alternate stop codon (p.D1548Tfs*14). This alteration, referred to as a deletion of GATA at nucleotide 4638 or 4638del4, was detected as a compound heterozygous mutation in multiple individuals with ataxia-telangiectasia (Wright J et al. Am J Hum Genet. 1996 Oct;59(4):839-46; Li A et al. Am J Med Genet. 2000 May 29;92(3):170-7). This variant is considered to be rare based on population cohorts in the Genome Aggregation Database (gnomAD). In addition to the clinical data presented in the literature, this alteration is expected to result in loss of function by premature protein truncation or nonsense-mediated mRNA decay. As such, this alteration is interpreted as a disease-causing mutation.

Department of Pathology and Laboratory Medicine, Sinai Health System
Classification: Pathogenic for Familial cancer of breast. Last evaluated: 2019-03-13. Review status: criteria provided, single submitter. Criteria: ACMG Guidelines, 2015. Collection method: clinical testing. Allele origin: germline. Affected: yes.

Department of Pathology and Laboratory Medicine, Sinai Health System
Classification: Pathogenic for Malignant tumor of breast. Review status: no assertion criteria provided. Collection method: clinical testing. Allele origin: unknown. Affected: yes. Study: The Canadian Open Genetics Repository (COGR). Not counted in ClinVar's aggregate classification.
Comment: The ATM p.Asp1548Thrfs*14 variant was identified in 1 of 180 proband chromosomes (frequency: 0.006) from individuals or families with Ataxia Telangiectasia (Li 2000) and in lymphoblastoid cell lines or skin fibroblasts of patients with Ataxia Telangiectasia (Sasaki 1998, Wright 1996). The variant was also identified in dbSNP (ID: rs876659535) as "With Pathogenic allele", ClinVar (classified as pathogenic by Invitae and Ambry Genetics), and LOVD 3.0 (2x). The variant was not identified in the following control databases: the Exome Aggregation Consortium (August 8th 2016) or the Genome Aggregation Database (Feb 27, 2017). The c.4642_4645del variant is predicted to cause a frameshift, which alters the protein's amino acid sequence beginning at codon 1548 and leads to a premature stop codon at position 1561. This alteration is then predicted to result in a truncated or absent protein and loss of function. Loss of function variants of the ATM gene are an established mechanism of disease in ATM-associated cancer and is the type of variant expected to cause the disorder. In summary, based on the above information, this variant meets our laboratoryâ€šÃ„Ã´s criteria to be classified as pathogenic.

Literature cited by the submitters: PubMed 23807571 (cited by Labcorp Genetics (formerly Invitae), Labcorp); PubMed 25614872 (cited by Labcorp Genetics (formerly Invitae), Labcorp); PubMed 8808599 (cited by 3 submitters); PubMed 9711876 (cited by 3 submitters); PubMed 10817650 (cited by Department of Pathology and Laboratory Medicine, Sinai Health System).